The following is an entry in ClinVar:

ClinVar aggregate classification (germline): Uncertain significance. Review status: criteria provided, multiple submitters, no conflicts (2 of 4 stars). 2 submissions from 2 submitters: Uncertain significance (2). Last evaluated 2024-04-24.

Conditions:
Hereditary cancer-predisposing syndrome. Also called: Hereditary Cancer Syndrome; Neoplastic Syndromes, Hereditary; Tumor predisposition; Hereditary neoplastic syndrome. Identifiers: Orphanet 140162, MedGen C0027672, MeSH D009386, MONDO:0015356.

Submissions (2):

Ambry Genetics
Classification: Uncertain significance for Hereditary cancer-predisposing syndrome. Last evaluated: 2024-04-24. Review status: criteria provided, single submitter. Criteria: Ambry Variant Classification Scheme 2023. Collection method: clinical testing. Allele origin: germline.
Comment: The p.K1847N variant (also known as c.5541G>C), located in coding exon 40 of the POLE gene, results from a G to C substitution at nucleotide position 5541. The lysine at codon 1847 is replaced by asparagine, an amino acid with similar properties. This amino acid position is conserved. In addition, the in silico prediction for this alteration is inconclusive. Based on the available evidence, the clinical significance of this variant remains unclear.

Labcorp Genetics (formerly Invitae), Labcorp
Classification: Uncertain significance. Last evaluated: 2023-07-28. Review status: criteria provided, single submitter. Criteria: Invitae Variant Classification Sherloc (09022015). Collection method: clinical testing. Allele origin: germline.
Comment: This variant has not been reported in the literature in individuals affected with POLE-related conditions. This variant is not present in population databases (gnomAD no frequency). This sequence change replaces lysine, which is basic and polar, with asparagine, which is neutral and polar, at codon 1847 of the POLE protein (p.Lys1847Asn). Advanced modeling of protein sequence and biophysical properties (such as structural, functional, and spatial information, amino acid conservation, physicochemical variation, residue mobility, and thermodynamic stability) performed at Invitae indicates that this missense variant is expected to disrupt POLE protein function. In summary, the available evidence is currently insufficient to determine the role of this variant in disease. Therefore, it has been classified as a Variant of Uncertain Significance.

NM_006231.4(POLE):c.5541G>C (p.Lys1847Asn)

Gene: POLE (DNA polymerase epsilon, catalytic subunit; minus strand). Cytogenetic location: 12q24.33.
Variant type: single nucleotide variant.
Coding change: c.5541G>C on transcript NM_006231.4 (MANE Select); coding-DNA position 5541, G replaced by C.
Protein change: p.Lys1847Asn; replaces lysine 1847 with asparagine.
Molecular consequence: missense variant.
Genome position (GRCh38, 1-based): chr12:132,639,136, C>G on the plus strand (G>C on the coding strand, the complement: POLE is on the minus strand). VCF-style: chr12-132639136-C-G. GRCh37 (hg19) VCF-style: chr12-133215722-C-G.
Other names: c.5541G>C (NM_006231.2); short protein forms K1847N.
Identifiers: ClinVar variation 2747630 (VCV002747630.4), dbSNP rs2138508271, ClinGen allele CA387374548.